The following is an entry in ClinVar:

ClinVar aggregate classification (germline): Uncertain significance (1 of 4 stars; one submission).

Conditions:
Dilated cardiomyopathy 1O (CMD1O). Also called: CARDIOMYOPATHY, DILATED, WITH VENTRICULAR TACHYCARDIA. Identifiers: Orphanet 154, MedGen C1837839, MONDO:0012062, OMIM 608569.

Allele frequency attached by ClinVar (database versions not stated): gnomAD exomes below 0.00001.
gnomAD v4.1: 2 of 1,573,612 alleles (0.00013%); highest among the groups gnomAD compares: Non-Finnish European, 0.00017%; no homozygotes.

Submission:

Labcorp Genetics (formerly Invitae), Labcorp
Classification: Uncertain significance for Dilated cardiomyopathy 1O. Last evaluated: 2020-06-18. Review status: criteria provided, single submitter. Criteria: Invitae Variant Classification Sherloc (09022015). Collection method: clinical testing. Allele origin: germline.
Comment: This variant has not been reported in the literature in individuals with ABCC9-related conditions. Algorithms developed to predict the effect of missense changes on protein structure and function are either unavailable or do not agree on the potential impact of this missense change (SIFT: "Tolerated"; PolyPhen-2: "Probably Damaging"; Align-GVGD: "Class C0"). In summary, the available evidence is currently insufficient to determine the role of this variant in disease. Therefore, it has been classified as a Variant of Uncertain Significance. This variant is not present in population databases (ExAC no frequency). This sequence change replaces leucine with proline at codon 1438 of the ABCC9 protein (p.Leu1438Pro). The leucine residue is moderately conserved and there is a moderate physicochemical difference between leucine and proline.

NM_020297.4(ABCC9):c.4313T>C (p.Leu1438Pro)

Genes: ABCC9 (ATP binding cassette subfamily C member 9; minus strand), KCNJ8-AS1 (KCNJ8 antisense RNA 1; plus strand). Cytogenetic location: 12p12.1.
Variant type: single nucleotide variant.
Coding change: c.4313T>C on transcript NM_020297.4 (MANE Select); coding-DNA position 4313, T replaced by C.
Protein change: p.Leu1438Pro; replaces leucine 1438 with proline.
Molecular consequence: missense variant.
Genome position (GRCh38, 1-based): chr12:21,809,854, A>G on the plus strand (T>C on the coding strand, the complement: ABCC9 is on the minus strand). VCF-style: chr12-21809854-A-G. GRCh37 (hg19) VCF-style: chr12-21962788-A-G.
Other names: c.4313T>C, p.Leu1438Pro (NM_001377273.1, NM_005691.4); c.3446T>C, p.Leu1149Pro (NM_001377274.1); short protein forms L1438P, L1149P.
Identifiers: ClinVar variation 1043412 (VCV001043412.8), dbSNP rs1942111125, ClinGen allele CA384132841.